The following is an entry in ClinVar:

ClinVar aggregate classification (germline): Uncertain significance. Review status: criteria provided, multiple submitters, no conflicts (2 of 4 stars). 2 submissions from 2 submitters: Uncertain significance (2). Last evaluated 2025-01-29.

Conditions:
Hereditary cancer-predisposing syndrome. Also called: Neoplastic Syndromes, Hereditary; Tumor predisposition; Hereditary Cancer Syndrome; Hereditary neoplastic syndrome. Identifiers: Orphanet 140162, MedGen C0027672, MeSH D009386, MONDO:0015356.
Multiple endocrine neoplasia, type 2 (MEN2). Identifiers: Orphanet 653, MedGen C4048306, MONDO:0019003. Disease mechanism: gain of function.

Submissions (2):

Labcorp Genetics (formerly Invitae), Labcorp
Classification: Uncertain significance for Multiple endocrine neoplasia, type 2. Last evaluated: 2025-01-29. Review status: criteria provided, single submitter. Criteria: Invitae Variant Classification Sherloc (09022015). Collection method: clinical testing. Allele origin: germline.
Comment: This sequence change replaces isoleucine, which is neutral and non-polar, with phenylalanine, which is neutral and non-polar, at codon 176 of the RET protein (p.Ile176Phe). This variant is not present in population databases (gnomAD no frequency). This variant has not been reported in the literature in individuals affected with RET-related conditions. ClinVar contains an entry for this variant (Variation ID: 650583). An algorithm developed to predict the effect of missense changes on protein structure and function (PolyPhen-2) suggests that this variant is likely to be disruptive. In summary, the available evidence is currently insufficient to determine the role of this variant in disease. Therefore, it has been classified as a Variant of Uncertain Significance.

Ambry Genetics
Classification: Uncertain significance for Hereditary cancer-predisposing syndrome. Last evaluated: 2024-01-11. Review status: criteria provided, single submitter. Criteria: Ambry Variant Classification Scheme 2023. Collection method: clinical testing. Allele origin: germline.
Comment: The p.I176F variant (also known as c.526A>T), located in coding exon 3 of the RET gene, results from an A to T substitution at nucleotide position 526. The isoleucine at codon 176 is replaced by phenylalanine, an amino acid with highly similar properties. This amino acid position is conserved. In addition, the in silico prediction for this alteration is inconclusive. Since supporting evidence is limited at this time, the clinical significance of this alteration remains unclear.

NM_020975.6(RET):c.526A>T (p.Ile176Phe)

Gene: RET (ret proto-oncogene; plus strand). Cytogenetic location: 10q11.21.
Variant type: single nucleotide variant.
Coding change: c.526A>T on transcript NM_020975.6 (MANE Select); coding-DNA position 526, A replaced by T.
Protein change: p.Ile176Phe; replaces isoleucine 176 with phenylalanine.
Molecular consequence: missense variant.
Genome position (GRCh38, 1-based): chr10:43,102,530, A>T. VCF-style: chr10-43102530-A-T. GRCh37 (hg19) VCF-style: chr10-43597978-A-T.
Other names: c.526A>T, p.Ile176Phe (NM_000323.2, NM_001406743.1, NM_001406744.1 and 16 more transcripts); c.397A>T, p.Ile133Phe (NM_001406761.1, NM_001406762.1, NM_001406764.1 and 4 more transcripts); short protein forms I176F, I133F.
Identifiers: ClinVar variation 650583 (VCV000650583.7), dbSNP rs1588864080, ClinGen allele CA376543380.